The following is an entry in ClinVar:

ClinVar aggregate classification (germline): Uncertain significance (1 of 4 stars; one submission).

Submission:

Labcorp Genetics (formerly Invitae), Labcorp
Classification: Uncertain significance. Last evaluated: 2024-09-26. Review status: criteria provided, single submitter. Criteria: Invitae Variant Classification Sherloc (09022015). Collection method: clinical testing. Allele origin: germline.
Comment: This sequence change creates a premature translational stop signal (p.Thr461Hisfs*29) in the LIPG gene. While this is not anticipated to result in nonsense mediated decay, it is expected to disrupt the last 40 amino acid(s) of the LIPG protein. This variant is not present in population databases (gnomAD no frequency). This variant has not been reported in the literature in individuals affected with LIPG-related conditions. Experimental studies and prediction algorithms are not available or were not evaluated, and the functional significance of this variant is currently unknown. In summary, the available evidence is currently insufficient to determine the role of this variant in disease. Therefore, it has been classified as a Variant of Uncertain Significance.

NM_006033.4(LIPG):c.1380del (p.Thr461fs)

Gene: LIPG (lipase G, endothelial type; plus strand). Cytogenetic location: 18q21.1.
Variant type: Deletion.
Coding change: c.1380del on transcript NM_006033.4 (MANE Select); coding-DNA position 1380, one base deleted (G; older notation c.1380delG).
Protein change: p.Thr461fs; shifts the reading frame from threonine 461.
Molecular consequence: frameshift variant.
Genome position (GRCh38, 1-based): chr18:49,586,749, G deleted. VCF-style (leftmost placement, unchanged base first): chr18-49586748-TG-T. GRCh37 (hg19) VCF-style: chr18-47113118-TG-T.
Other names: c.1158del, p.Thr387fs (NM_001308006.2); short protein forms T387fs, T461fs.
Identifiers: ClinVar variation 3659816 (VCV003659816.2).